The following is an entry in ClinVar:

NM_002615.7(SERPINF1):c.83_84+1del

Gene: SERPINF1 (serpin family F member 1; plus strand). Cytogenetic location: 17p13.3.
Variant type: Microsatellite.
Coding change: c.83_84+1del on transcript NM_002615.7 (MANE Select); coding-DNA position 83 through the canonical splice donor site of the intron after coding-DNA position 84, 3 bases deleted (AGG; older notation c.83_84+1delAGG).
Molecular consequence: splice donor variant. On other transcripts: intron variant (1).
Genome position (GRCh38, 1-based): chr17:1,766,993-1,766,995, AGG deleted; deleting any 3 consecutive bases within chr17:1,766,988-1,766,995 gives the same sequence; the c. name uses the placement nearest the transcript's 3' end. VCF-style (leftmost placement, unchanged base first): chr17-1766987-CGGA-C. GRCh37 (hg19) VCF-style: chr17-1670281-CGGA-C.
Other names: c.-477-2859_-477-2857del (NM_001329904.2); c.83_84+1del (NM_001329903.2).
Identifiers: ClinVar variation 2064434 (VCV002064434.1), dbSNP rs756465865, ClinGen allele CA8274513.

ClinVar aggregate classification (germline): Uncertain significance (1 of 4 stars; one submission).

Submission:

Labcorp Genetics (formerly Invitae), Labcorp
Classification: Uncertain significance. Last evaluated: 2022-09-13. Review status: criteria provided, single submitter. Criteria: Invitae Variant Classification Sherloc (09022015). Collection method: clinical testing. Allele origin: germline.
Comment: This variant, c.83_84+1del, results in the deletion of 1 amino acid(s) of the SERPINF1 protein (Splice site), but otherwise preserves the integrity of the reading frame. This variant is present in population databases (rs756465865, gnomAD 0.01%). This variant has not been reported in the literature in individuals affected with SERPINF1-related conditions. Experimental studies and prediction algorithms are not available or were not evaluated, and the functional significance of this variant is currently unknown. In summary, the available evidence is currently insufficient to determine the role of this variant in disease. Therefore, it has been classified as a Variant of Uncertain Significance.